The following is an entry in ClinVar:

NM_006846.4(SPINK5):c.850del (p.Glu284fs)

Gene: SPINK5 (serine peptidase inhibitor Kazal type 5; plus strand). Cytogenetic location: 5q32.
Variant type: Deletion.
Coding change: c.850del on transcript NM_006846.4 (MANE Select); coding-DNA position 850, one base deleted (G; older notation c.850delG).
Protein change: p.Glu284fs; shifts the reading frame from glutamic acid 284.
Molecular consequence: frameshift variant.
Genome position (GRCh38, 1-based): chr5:148,095,873, G deleted. VCF-style (leftmost placement, unchanged base first): chr5-148095872-TG-T. GRCh37 (hg19) VCF-style: chr5-147475435-TG-T.
Other names: c.850delG (NM_006846.3); c.850del, p.Glu284fs (NM_001127698.2, NM_001127699.2); short protein forms E284fs.
Identifiers: ClinVar variation 639460 (VCV000639460.8), dbSNP rs1581074967, ClinGen allele CA915942670.
Genomic context (GRCh38, chr5:148,095,872, plus strand): 5'-TTCCAGCAAGCAGCGTTTTTCAGAGGAAAACAGTAAAACAGATCAAAATTTGGGAAAAGC[TG>T]AAGAAAAAACTAAAGTTAAAAGAGAAATTGTGGTGAGAATCAGTTTGATCAATCTAGTTA-3'

ClinVar aggregate classification (germline): Pathogenic/Likely pathogenic. Review status: criteria provided, multiple submitters, no conflicts (2 of 4 stars). 2 submissions from 2 submitters: Pathogenic (1); Likely pathogenic (1). Last evaluated 2025-07-17.

Conditions:
Ichthyosis linearis circumflexa. Identifiers: MedGen C0265962, MONDO:0043106, HP:0025810.
Netherton syndrome (NETH). Also called: NETHERTON DISEASE; ERYTHRODERMA, ICHTHYOSIFORM, WITH HYPOTRICHOSIS AND HYPER-IgE; COMEL-NETHERTON SYNDROME. Identifiers: Orphanet 634, MedGen C5574950, MONDO:0009735, OMIM 256500.

Allele frequency attached by ClinVar (database versions not stated): gnomAD exomes below 0.00001; TOPMed 0.00001.

Submissions (2):

Labcorp Genetics (formerly Invitae), Labcorp
Classification: Pathogenic for Ichthyosis linearis circumflexa. Last evaluated: 2025-07-17. Review status: criteria provided, single submitter. Criteria: Invitae Variant Classification Sherloc (09022015). Collection method: clinical testing. Allele origin: germline.
Comment: This sequence change creates a premature translational stop signal (p.Glu284Lysfs*11) in the SPINK5 gene. It is expected to result in an absent or disrupted protein product. Loss-of-function variants in SPINK5 are known to be pathogenic (PMID: 11511292, 11841556). This variant is not present in population databases (gnomAD no frequency). This variant has not been reported in the literature in individuals affected with SPINK5-related conditions. ClinVar contains an entry for this variant (Variation ID: 639460). Algorithms developed to predict the effect of sequence changes on RNA splicing suggest that this variant may disrupt the consensus splice site. For these reasons, this variant has been classified as Pathogenic.

Fulgent Genetics
Classification: Likely pathogenic for Netherton syndrome. Last evaluated: 2024-04-12. Review status: criteria provided, single submitter. Criteria: ACMG Guidelines, 2015. Collection method: clinical testing. Allele origin: germline.

Literature cited by the submitters: PubMed 11511292 (cited by Labcorp Genetics (formerly Invitae), Labcorp); PubMed 11841556 (cited by Labcorp Genetics (formerly Invitae), Labcorp).